The following is an entry in ClinVar:

ClinVar aggregate classification (germline): Uncertain significance (1 of 4 stars; one submission).

Conditions:
Congenital brain dysgenesis due to glutamine synthetase deficiency (GLND). Also called: GLUTAMINE SYNTHASE DEFICIENCY, CONGENITAL SYSTEMIC. Identifiers: Orphanet 71278, MedGen C1864910, MONDO:0012393, OMIM 610015.

Submission:

Labcorp Genetics (formerly Invitae), Labcorp
Classification: Uncertain significance for Congenital brain dysgenesis due to glutamine synthetase deficiency. Last evaluated: 2024-07-23. Review status: criteria provided, single submitter. Criteria: Invitae Variant Classification Sherloc (09022015). Collection method: clinical testing. Allele origin: germline.
Comment: This sequence change replaces alanine, which is neutral and non-polar, with threonine, which is neutral and polar, at codon 321 of the GLUL protein (p.Ala321Thr). This variant is present in population databases (rs776206110, gnomAD 0.003%). This variant has not been reported in the literature in individuals affected with GLUL-related conditions. Advanced modeling of protein sequence and biophysical properties (such as structural, functional, and spatial information, amino acid conservation, physicochemical variation, residue mobility, and thermodynamic stability) performed at Invitae indicates that this missense variant is not expected to disrupt GLUL protein function with a negative predictive value of 80%. In summary, the available evidence is currently insufficient to determine the role of this variant in disease. Therefore, it has been classified as a Variant of Uncertain Significance.

NM_001033044.4(GLUL):c.961G>A (p.Ala321Thr)

Gene: GLUL (glutamate-ammonia ligase; minus strand). Cytogenetic location: 1q25.3.
Variant type: single nucleotide variant.
Coding change: c.961G>A on transcript NM_001033044.4 (MANE Select); coding-DNA position 961, G replaced by A.
Protein change: p.Ala321Thr; replaces alanine 321 with threonine.
Molecular consequence: missense variant.
Genome position (GRCh38, 1-based): chr1:182,384,566, C>T on the plus strand (G>A on the coding strand, the complement: GLUL is on the minus strand). VCF-style: chr1-182384566-C-T. GRCh37 (hg19) VCF-style: chr1-182353701-C-T.
Other names: c.961G>A, p.Ala321Thr (NM_001033056.4, NM_002065.7); short protein forms A321T.
Identifiers: ClinVar variation 3707401 (VCV003707401.2).
Genomic context (GRCh38, chr1:182,384,566, plus strand): 5'-GACGATCTTCAAAGTAACCCTTCTTCTCCTGGCCAACAGTCCGGGGAATGCGTATGCTGG[C>T]GCTACGATTGGCTACACCAGCAGAAAAGTCGTTGATGTTGGAGGTTTCATGGAATCCAGT-3'
Protein context (NP_001028216.1, residues 311-331): DFSAGVANRS[Ala321Thr]SIRIPRTVGQ